The following is an entry in ClinVar:

NM_001243133.2(NLRP3):c.2260C>T (p.Pro754Ser)

Gene: NLRP3 (NLR family pyrin domain containing 3; plus strand). Cytogenetic location: 1q44.
Variant type: single nucleotide variant.
Coding change: c.2260C>T on transcript NM_001243133.2 (MANE Select); coding-DNA position 2260, C replaced by T.
Protein change: p.Pro754Ser; replaces proline 754 with serine.
Molecular consequence: missense variant. On other transcripts: intron variant (2).
Genome position (GRCh38, 1-based): chr1:247,429,694, C>T. VCF-style: chr1-247429694-C-T. GRCh37 (hg19) VCF-style: chr1-247592996-C-T.
Other names: c.2260C>T, p.Pro754Ser (NM_001079821.3, NM_001127461.3); c.2266C>T, p.Pro756Ser (NM_004895.5); c.2150+4095C>T (NM_001127462.3, NM_183395.3); short protein forms P754S, P756S.
Identifiers: ClinVar variation 4536302 (VCV004536302.1).

ClinVar aggregate classification (germline): Uncertain significance (1 of 4 stars; one submission).

gnomAD v4.1: 5 of 1,614,000 alleles (0.00031%); highest among the groups gnomAD compares: Non-Finnish European, 0.00042%; no homozygotes.

Submission:

GeneDx
Classification: Uncertain significance. Last evaluated: 2025-06-03. Review status: criteria provided, single submitter. Criteria: GeneDx Variant Classification Process June 2021. Collection method: clinical testing. Allele origin: germline. Affected: yes.
Comment: Not observed at significant frequency in large population cohorts (gnomAD); In silico analysis suggests that this missense variant does not alter protein structure/function; Has not been previously published as pathogenic or benign to our knowledge; Also known as P754S